The following is an entry in ClinVar:

NM_001142864.4(PIEZO1):c.1656C>T (p.Thr552=)

Genes: HSALR1 (HSP90AB1 associated lncRNA 1; plus strand), PIEZO1 (piezo type mechanosensitive ion channel component 1 (Er blood group); minus strand). Cytogenetic location: 16q24.3.
Variant type: single nucleotide variant.
Coding change: c.1656C>T on transcript NM_001142864.4 (MANE Select); coding-DNA position 1656, C replaced by T.
Protein change: p.Thr552=; no amino-acid change (threonine 552 retained).
Molecular consequence: synonymous variant.
Genome position (GRCh38, 1-based): chr16:88,735,148, G>A on the plus strand (C>T on the coding strand, the complement: PIEZO1 is on the minus strand). VCF-style: chr16-88735148-G-A. GRCh37 (hg19) VCF-style: chr16-88801556-G-A.
Identifiers: ClinVar variation 797472 (VCV000797472.8), dbSNP rs570074079, ClinGen allele CA8232953.

ClinVar aggregate classification (germline): Benign. Review status: criteria provided, multiple submitters, no conflicts (2 of 4 stars). 2 submissions from 2 submitters: Benign (2). Last evaluated 2025-01-03.

Conditions:
PIEZO1-related disorder. Also called: PIEZO1-related condition; PIEZO1-Related Disorders.

Allele frequency attached by ClinVar (database versions not stated): gnomAD 0.00011 and 0.00017; ExAC 0.00024; TOPMed 0.00026; gnomAD exomes 0.00047; 1000 Genomes Project 30x 0.00172; 1000 Genomes Project 0.00220.
gnomAD v4.1: 161 of 1,550,238 alleles (0.01%); highest among the groups gnomAD compares: East Asian, 0.34%; no homozygotes.

Submissions (2):

PreventionGenetics, part of Exact Sciences
Classification: Benign for PIEZO1-related condition. Last evaluated: 2025-01-03. Review status: criteria provided, single submitter. Criteria: ACMG Guidelines, 2015. Collection method: clinical testing. Allele origin: germline.
Comment: This variant is classified as benign based on ACMG/AMP sequence variant interpretation guidelines (Richards et al. 2015 PMID: 25741868, with internal and published modifications).

Labcorp Genetics (formerly Invitae), Labcorp
Classification: Benign. Last evaluated: 2023-05-24. Review status: criteria provided, single submitter. Criteria: Invitae Variant Classification Sherloc (09022015). Collection method: clinical testing. Allele origin: germline.